The following is an entry in ClinVar:

ClinVar aggregate classification (germline): Pathogenic (1 of 4 stars; one submission).

Submission:

Labcorp Genetics (formerly Invitae), Labcorp
Classification: Pathogenic. Last evaluated: 2023-11-16. Review status: criteria provided, single submitter. Criteria: Invitae Variant Classification Sherloc (09022015). Collection method: clinical testing. Allele origin: germline.
Comment: This sequence change creates a premature translational stop signal (p.Gln2774*) in the EYS gene. While this is not anticipated to result in nonsense mediated decay, it is expected to disrupt the last 371 amino acid(s) of the EYS protein. This variant is not present in population databases (gnomAD no frequency). This variant has not been reported in the literature in individuals affected with EYS-related conditions. This variant disrupts a region of the EYS protein in which other variant(s) (p.Tyr3135*) have been determined to be pathogenic (PMID: 18976725, 29159838, 30337596, 31074760). This suggests that this is a clinically significant region of the protein, and that variants that disrupt it are likely to be disease-causing. For these reasons, this variant has been classified as Pathogenic.

Literature cited by the submitters: PubMed 18976725; PubMed 29159838; PubMed 30337596; PubMed 31074760.

NM_001142800.2(EYS):c.8320C>T (p.Gln2774Ter)

Genes: EYS (EGF-like photoreceptor maintenance factor; minus strand), PHF3 (PHD finger protein 3; plus strand). Cytogenetic location: 6q12.
Variant type: single nucleotide variant.
Coding change: c.8320C>T on transcript NM_001142800.2 (MANE Select); coding-DNA position 8320, C replaced by T.
Protein change: p.Gln2774Ter; replaces glutamine 2774 with a stop codon.
Molecular consequence: nonsense. On other transcripts: 3 prime UTR variant (5).
Genome position (GRCh38, 1-based): chr6:63,721,711, G>A on the plus strand (C>T on the coding strand, the complement: EYS is on the minus strand). VCF-style: chr6-63721711-G-A. GRCh37 (hg19) VCF-style: chr6-64431607-G-A.
Other names: c.*8003G>A (NM_001290259.2, NM_001370348.2, NM_001370349.2 and 2 more transcripts); c.8383C>T, p.Gln2795Ter (NM_001292009.2); short protein forms Q2774*, Q2795*.
Identifiers: ClinVar variation 2753165 (VCV002753165.3), dbSNP rs2533393195, ClinGen allele CA364385197.
Genomic context (GRCh38, chr6:63,721,711, plus strand): 5'-CTGCACCAACTCTTCCTGCTTTTATTATATGCCAAGTACTTCCGTTTATAGTTACTTTTT[G>A]GAGAGTTTCTAGAATGATAGTTCTGTCGCCAAGGTTGTAGCGAAGTTGAACGGAACTATT-3'